The following is an entry in ClinVar:

NM_002471.4(MYH6):c.-46-8C>T

Genes: MYH6 (myosin heavy chain 6; minus strand), LOC114827851 (VISTA enhancer hs2155; plus strand). Cytogenetic location: 14q11.2.
Variant type: single nucleotide variant.
Coding change: c.-46-8C>T on transcript NM_002471.4 (MANE Select); 8 bases into the intron before 46 bases upstream of the start codon, C replaced by T.
Molecular consequence: intron variant.
Genome position (GRCh38, 1-based): chr14:23,407,616, G>A on the plus strand (C>T on the coding strand, the complement: MYH6 is on the minus strand). VCF-style: chr14-23407616-G-A. GRCh37 (hg19) VCF-style: chr14-23876825-G-A.
Identifiers: ClinVar variation 514516 (VCV000514516.1), dbSNP rs187963893, ClinGen allele CA257800836.

ClinVar aggregate classification (germline): Likely benign (1 of 4 stars; one submission).

Allele frequency attached by ClinVar (database versions not stated): TOPMed 0.00005; 1000 Genomes Project 30x 0.00016.
gnomAD v4.1: 40 of 1,146,384 alleles (0.0035%); highest among the groups gnomAD compares: African/African-American, 0.014%; no homozygotes.

Submission:

GeneDx
Classification: Likely benign. Last evaluated: 2018-01-09. Review status: criteria provided, single submitter. Criteria: GeneDx Variant Classification (06012015). Collection method: clinical testing. Allele origin: germline. Affected: yes.
Comment: This variant is considered likely benign or benign based on one or more of the following criteria: it is a conservative change, it occurs at a poorly conserved position in the protein, it is predicted to be benign by multiple in silico algorithms, and/or has population frequency not consistent with disease.